The following is an entry in ClinVar:

ClinVar aggregate classification (germline): Uncertain significance (1 of 4 stars; one submission).

Conditions:
Pitt-Hopkins-like syndrome 2 (PTHSL2). Identifiers: Orphanet 221150, Orphanet 600663, MedGen C3280479, MONDO:0013690, OMIM 614325.

Allele frequency attached by ClinVar (database versions not stated): gnomAD exomes below 0.00001.
gnomAD v4.1: 2 of 1,600,028 alleles (0.00012%); highest among the groups gnomAD compares: Non-Finnish European, 0.00017%; no homozygotes.

Submission:

Labcorp Genetics (formerly Invitae), Labcorp
Classification: Uncertain significance for Pitt-Hopkins-like syndrome 2. Last evaluated: 2022-07-25. Review status: criteria provided, single submitter. Criteria: Invitae Variant Classification Sherloc (09022015). Collection method: clinical testing. Allele origin: germline.
Comment: In summary, the available evidence is currently insufficient to determine the role of this variant in disease. Therefore, it has been classified as a Variant of Uncertain Significance. Algorithms developed to predict the effect of missense changes on protein structure and function (SIFT, PolyPhen-2, Align-GVGD) all suggest that this variant is likely to be tolerated. This variant has not been reported in the literature in individuals affected with NRXN1-related conditions. This variant is not present in population databases (gnomAD no frequency). This sequence change replaces isoleucine, which is neutral and non-polar, with leucine, which is neutral and non-polar, at codon 82 of the NRXN1 protein (p.Ile82Leu).

NM_001330078.2(NRXN1):c.244A>C (p.Ile82Leu)

Gene: NRXN1 (neurexin 1; minus strand). Cytogenetic location: 2p16.3.
Variant type: single nucleotide variant.
Coding change: c.244A>C on transcript NM_001330078.2 (MANE Select); coding-DNA position 244, A replaced by C.
Protein change: p.Ile82Leu; replaces isoleucine 82 with leucine.
Molecular consequence: missense variant.
Genome position (GRCh38, 1-based): chr2:51,028,030, T>G on the plus strand (A>C on the coding strand, the complement: NRXN1 is on the minus strand). VCF-style: chr2-51028030-T-G. GRCh37 (hg19) VCF-style: chr2-51255168-T-G.
Other names: c.244A>C, p.Ile82Leu (NM_001135659.3, NM_001330077.2, NM_001330079.2 and 15 more transcripts); short protein forms I82L.
Identifiers: ClinVar variation 2067777 (VCV002067777.4), dbSNP rs202138144, ClinGen allele CA346824388.